The following is an entry in ClinVar:

NM_001734.5(C1S):c.269A>G (p.Asn90Ser)

Gene: C1S (complement C1s; plus strand). Cytogenetic location: 12p13.31.
Variant type: single nucleotide variant.
Coding change: c.269A>G on transcript NM_001734.5 (MANE Select); coding-DNA position 269, A replaced by G.
Protein change: p.Asn90Ser; replaces asparagine 90 with serine.
Molecular consequence: missense variant. On other transcripts: 5 prime UTR variant (1).
Genome position (GRCh38, 1-based): chr12:7,062,945, A>G. VCF-style: chr12-7062945-A-G. GRCh37 (hg19) VCF-style: chr12-7170249-A-G.
Other names: c.-233A>G (NM_001346850.2); c.269A>G, p.Asn90Ser (NM_201442.4); c.269A>G (NM_201442.2); short protein forms N90S.
Identifiers: ClinVar variation 2077713 (VCV002077713.6), dbSNP rs781995208, ClinGen allele CA6423365.

ClinVar aggregate classification (germline): Uncertain significance. Review status: criteria provided, multiple submitters, no conflicts (2 of 4 stars). 3 submissions from 3 submitters: Uncertain significance (3). Last evaluated 2026-02-13.

Conditions:
Inborn genetic diseases. Identifiers: MedGen C0950123, MeSH D030342.

Allele frequency attached by ClinVar (database versions not stated): gnomAD 0.00001; TOPMed 0.00002; gnomAD exomes 0.00007; ExAC 0.00013; 1000 Genomes Project 0.00020; 1000 Genomes Project 30x 0.00031.
gnomAD v4.1: 103 of 1,614,098 alleles (0.0064%); highest among the groups gnomAD compares: South Asian, 0.093%; 3 homozygotes.

Submissions (3):

Women's Health and Genetics/Laboratory Corporation of America, LabCorp
Classification: Uncertain significance. Last evaluated: 2026-02-13. Review status: criteria provided, single submitter. Criteria: LabCorp Variant Classification Summary - May 2015. Collection method: clinical testing. Allele origin: germline.
Comment: Variant summary: C1S c.269A>G (p.Asn90Ser) results in a conservative amino acid change in the encoded protein sequence. Algorithms developed to predict the effect of missense changes on protein structure and function all suggest that this variant is likely to be tolerated. The variant allele was found at a frequency of 0.00014 in 251464 control chromosomes. This frequency is not significantly higher than estimated for disease-causing variants in C1S, allowing no conclusion about variant significance. To our knowledge, no occurrence of c.269A>G in individuals affected with C1S-related conditions and no experimental evidence demonstrating its impact on protein function have been reported. ClinVar contains an entry for this variant (Variation ID: 2077713). Based on the evidence outlined above, the variant was classified as uncertain significance.

Labcorp Genetics (formerly Invitae), Labcorp
Classification: Uncertain significance. Last evaluated: 2025-11-01. Review status: criteria provided, single submitter. Criteria: Invitae Variant Classification Sherloc (09022015). Collection method: clinical testing. Allele origin: germline.
Comment: This sequence change replaces asparagine, which is neutral and polar, with serine, which is neutral and polar, at codon 90 of the C1S protein (p.Asn90Ser). This variant is present in population databases (rs781995208, gnomAD 0.09%). This variant has not been reported in the literature in individuals affected with C1S-related conditions. ClinVar contains an entry for this variant (Variation ID: 2077713). An algorithm developed to predict the effect of missense changes on protein structure and function outputs the following: PolyPhen-2: "Benign". The serine amino acid residue is found in multiple mammalian species, which suggests that this missense change does not adversely affect protein function. In summary, the available evidence is currently insufficient to determine the role of this variant in disease. Therefore, it has been classified as a Variant of Uncertain Significance.

Ambry Genetics
Classification: Uncertain significance for Inborn genetic diseases. Last evaluated: 2025-05-26. Review status: criteria provided, single submitter. Criteria: Ambry Variant Classification Scheme 2023. Collection method: clinical testing. Allele origin: germline.